The following is an entry in ClinVar:

ClinVar aggregate classification (germline): Benign/Likely benign. Review status: criteria provided, multiple submitters, no conflicts (2 of 4 stars). 2 submissions from 2 submitters: Benign (1); Likely benign (1). Last evaluated 2025-11-18.

Allele frequency attached by ClinVar (database versions not stated): gnomAD exomes 0.00011; TOPMed 0.00014; gnomAD 0.00033; ExAC 0.00036; 1000 Genomes Project 30x 0.00203; 1000 Genomes Project 0.00240.

Submissions (2):

Labcorp Genetics (formerly Invitae), Labcorp
Classification: Benign. Last evaluated: 2025-11-18. Review status: criteria provided, single submitter. Criteria: Invitae Variant Classification Sherloc (09022015). Collection method: clinical testing. Allele origin: germline.

CeGaT Center for Human Genetics Tuebingen
Classification: Likely benign. Last evaluated: 2025-05-01. Review status: criteria provided, single submitter. Criteria: CeGaT Center For Human Genetics Tuebingen Variant Classification Criteria Version 2. Collection method: clinical testing. Allele origin: germline. Affected: yes. Observed: 1 variant allele.
Comment: FOXA2: PP3, BS1

NM_021784.5(FOXA2):c.428A>G (p.Tyr143Cys)

Gene: FOXA2 (forkhead box A2; minus strand). Cytogenetic location: 20p11.21.
Variant type: single nucleotide variant.
Coding change: c.428A>G on transcript NM_021784.5 (MANE Select); coding-DNA position 428, A replaced by G.
Protein change: p.Tyr143Cys; replaces tyrosine 143 with cysteine.
Molecular consequence: missense variant.
Genome position (GRCh38, 1-based): chr20:22,582,814, T>C on the plus strand (A>G on the coding strand, the complement: FOXA2 is on the minus strand). VCF-style: chr20-22582814-T-C. GRCh37 (hg19) VCF-style: chr20-22563452-T-C.
Other names: c.410A>G, p.Tyr137Cys (NM_153675.3); short protein forms Y143C, Y137C.
Identifiers: ClinVar variation 2712016 (VCV002712016.13), dbSNP rs377224269, ClinGen allele CA9787023.
Genomic context (GRCh38, chr20:22,582,814, plus strand): 5'-TGCGTGTAGCTGCGCCTGTAGGTCTTGGGGTCGCGGGCGCGGCTCAGGCCCGCCTGCCCG[T>C]ACATGGGGCTCATGGAGTTCATGTTGGCGTAGGGGGCCAGGCCGCCCATGGCCCCGGCCG-3'
Protein context (NP_068556.2, residues 133-153): YANMNSMSPM[Tyr143Cys]GQAGLSRARD